The following is an entry in ClinVar:

NM_058216.3(RAD51C):c.1124A>T (p.Glu375Val)

Gene: RAD51C (RAD51 paralog C; plus strand). Cytogenetic location: 17q22.
Variant type: single nucleotide variant.
Coding change: c.1124A>T on transcript NM_058216.3 (MANE Select); coding-DNA position 1124, A replaced by T.
Protein change: p.Glu375Val; replaces glutamic acid 375 with valine.
Molecular consequence: missense variant. On other transcripts: non-coding transcript variant (1).
Genome position (GRCh38, 1-based): chr17:58,734,215, A>T. VCF-style: chr17-58734215-A-T. GRCh37 (hg19) VCF-style: chr17-56811576-A-T.
Other names: short protein forms E375V.
Identifiers: ClinVar variation 3719994 (VCV003719994.2).

ClinVar aggregate classification (germline): Uncertain significance (1 of 4 stars; one submission).

Conditions:
Fanconi anemia complementation group O. Also called: RAD51C-Related Fanconi Anemia. Identifiers: Orphanet 84, MedGen C3150653, MONDO:0013248, OMIM 613390.

Submission:

Labcorp Genetics (formerly Invitae), Labcorp
Classification: Uncertain significance for Fanconi anemia complementation group O. Last evaluated: 2024-09-19. Review status: criteria provided, single submitter. Criteria: Invitae Variant Classification Sherloc (09022015). Collection method: clinical testing. Allele origin: germline.
Comment: This sequence change replaces glutamic acid, which is acidic and polar, with valine, which is neutral and non-polar, at codon 375 of the RAD51C protein (p.Glu375Val). This variant is not present in population databases (gnomAD no frequency). This variant has not been reported in the literature in individuals affected with RAD51C-related conditions. An algorithm developed to predict the effect of missense changes on protein structure and function (PolyPhen-2) suggests that this variant is likely to be tolerated. Algorithms developed to predict the effect of sequence changes on RNA splicing suggest that this variant may disrupt the consensus splice site. In summary, the available evidence is currently insufficient to determine the role of this variant in disease. Therefore, it has been classified as a Variant of Uncertain Significance.